The following is an entry in ClinVar:

ClinVar aggregate classification (germline): Likely benign. Review status: criteria provided, multiple submitters, no conflicts (2 of 4 stars). 4 submissions from 4 submitters: Likely benign (4). Last evaluated 2026-01-09.

Conditions:
Primary ciliary dyskinesia. Also called: Ciliary dyskinesia. Identifiers: Orphanet 244, MedGen C0008780, MONDO:0016575, HP:0012265.

Allele frequency attached by ClinVar (database versions not stated): gnomAD 0.00019 and 0.00021; TOPMed 0.00023; gnomAD exomes 0.00024 and 0.00031; ExAC 0.00029; ESP Exome Variant Server 0.00066.
gnomAD v4.1: 461 of 1,569,022 alleles (0.029%); highest among the groups gnomAD compares: Non-Finnish European, 0.038%; 1 homozygote.

Submissions (4):

Labcorp Genetics (formerly Invitae), Labcorp
Classification: Likely benign for Primary ciliary dyskinesia. Last evaluated: 2026-01-09. Review status: criteria provided, single submitter. Criteria: Invitae Variant Classification Sherloc (09022015). Collection method: clinical testing. Allele origin: germline.

Blueprint Genetics
Classification: Likely benign. Last evaluated: 2024-08-19. Review status: criteria provided, single submitter. Criteria: ACMG Guidelines, 2015. Collection method: clinical testing. Allele origin: germline.

Laboratory for Molecular Medicine, Mass General Brigham Personalized Medicine
Classification: Likely benign. Last evaluated: 2013-02-21. Review status: criteria provided, single submitter. Criteria: LMM Criteria. Collection method: clinical testing. Allele origin: germline. Observed: 2 variant alleles.
Comment: 4254+13G>A in intron 23 of DNAH11: This variant is not expected to have clinical significance because it is not located within the conserved splice consensus se quence. It has been identified in 0.1% (8/8288) of European American chromosomes from a broad population by the NHLBI Exome Sequencing Project.

PreventionGenetics, part of Exact Sciences
Classification: Likely benign. Review status: criteria provided, single submitter. Criteria: ACMG Guidelines, 2015. Collection method: clinical testing. Allele origin: germline.

NM_001277115.2(DNAH11):c.4254+13G>A

Gene: DNAH11 (dynein axonemal heavy chain 11; plus strand). Cytogenetic location: 7p15.3.
Variant type: single nucleotide variant.
Coding change: c.4254+13G>A on transcript NM_001277115.2 (MANE Select); 13 bases into the intron after coding-DNA position 4254, G replaced by A.
Molecular consequence: intron variant.
Genome position (GRCh38, 1-based): chr7:21,617,790, G>A. VCF-style: chr7-21617790-G-A. GRCh37 (hg19) VCF-style: chr7-21657408-G-A.
Identifiers: ClinVar variation 178726 (VCV000178726.11), dbSNP rs371484690, ClinGen allele CA182893.